The following is an entry in ClinVar:

ClinVar aggregate classification (germline): Likely benign. Review status: criteria provided, single submitter (1 of 4 stars). 2 submissions from 2 submitters: Likely benign (1). 1 of the submissions does not count toward it. Last evaluated 2025-08-09.

Conditions:
PPARG-related disorder. Also called: PPARG-related disorders; PPARG-related condition.

gnomAD v4.1: 36 of 1,613,926 alleles (0.0022%); highest among the groups gnomAD compares: East Asian, 0.045%; no homozygotes.

Submissions (2):

Labcorp Genetics (formerly Invitae), Labcorp
Classification: Likely benign. Last evaluated: 2025-08-09. Review status: criteria provided, single submitter. Criteria: Invitae Variant Classification Sherloc (09022015). Collection method: clinical testing. Allele origin: germline.

PreventionGenetics, part of Exact Sciences
Classification: Likely benign for PPARG-related condition. Last evaluated: 2021-10-06. Review status: no assertion criteria provided. Collection method: clinical testing. Allele origin: germline. Not counted in ClinVar's aggregate classification.
Comment: This variant is classified as likely benign based on ACMG/AMP sequence variant interpretation guidelines (Richards et al. 2015 PMID: 25741868, with internal and published modifications).

NM_138711.6(PPARG):c.930C>T (p.Asn310=)

Gene: PPARG (peroxisome proliferator activated receptor gamma; plus strand). Cytogenetic location: 3p25.2.
Variant type: single nucleotide variant.
Coding change: c.930C>T on transcript NM_138711.6 (MANE Select); coding-DNA position 930, C replaced by T.
Protein change: p.Asn310=; no amino-acid change (asparagine 310 retained).
Molecular consequence: synonymous variant. On other transcripts: intron variant (5).
Genome position (GRCh38, 1-based): chr3:12,416,904, C>T. VCF-style: chr3-12416904-C-T. GRCh37 (hg19) VCF-style: chr3-12458403-C-T.
Other names: c.930C>T, p.Asn310= (NM_001354666.3, NM_001354667.3, NM_001374263.2 and 3 more transcripts); c.303C>T, p.Asn101= (NM_001354669.2); c.1020C>T, p.Asn340= (NM_015869.5); c.729+10823C>T (NM_001374261.3, NM_001374262.3, NM_001330615.4); c.653+10905C>T (NM_001374266.1); c.819+10823C>T (NM_001374265.1).
Identifiers: ClinVar variation 3351622 (VCV003351622.2).